The following is an entry in ClinVar:

NM_182961.4(SYNE1):c.20762G>T (p.Ser6921Ile)

Gene: SYNE1 (spectrin repeat containing nuclear envelope protein 1; minus strand). Cytogenetic location: 6q25.2.
Variant type: single nucleotide variant.
Coding change: c.20762G>T on transcript NM_182961.4 (MANE Select); coding-DNA position 20762, G replaced by T.
Protein change: p.Ser6921Ile; replaces serine 6921 with isoleucine.
Molecular consequence: missense variant.
Genome position (GRCh38, 1-based): chr6:152,232,216, C>A on the plus strand (G>T on the coding strand, the complement: SYNE1 is on the minus strand). VCF-style: chr6-152232216-C-A. GRCh37 (hg19) VCF-style: chr6-152553351-C-A.
Other names: c.20549G>T, p.Ser6850Ile (NM_033071.5); short protein forms S6850I, S6921I.
Identifiers: ClinVar variation 3065981 (VCV003065981.2), dbSNP rs372288820, ClinGen allele CA366116139.

ClinVar aggregate classification (germline): Uncertain significance. Review status: criteria provided, multiple submitters, no conflicts (2 of 4 stars). 2 submissions from 2 submitters: Uncertain significance (2). Last evaluated 2025-11-13.

Conditions:
SYNE1-related disorder. Also called: SYNE1-related disease; SYNE1-related condition; SYNE1-related disorders.
Autosomal recessive ataxia, Beauce type. Also called: Spinocerebellar ataxia, autosomal recessive 8; ATAXIA, RECESSIVE, OF BEAUCE; SYNE1-Related Autosomal Recessive Cerebellar Ataxia; SYNE1 Deficiency. Identifiers: Orphanet 88644, MedGen C1853116, MONDO:0012549, OMIM 610743.

Allele frequency attached by ClinVar (database versions not stated): gnomAD exomes below 0.00001.
gnomAD v4.1: 5 of 1,613,850 alleles (0.00031%); highest among the groups gnomAD compares: African/African-American, 0.004%; no homozygotes.

Submissions (2):

PreventionGenetics, part of Exact Sciences
Classification: Uncertain significance for SYNE1-related condition. Last evaluated: 2025-11-13. Review status: criteria provided, single submitter. Criteria: ACMG Guidelines, 2015. Collection method: clinical testing. Allele origin: germline.
Comment: The SYNE1 c.20549G>T variant is predicted to result in the amino acid substitution p.Ser6850Ile. To our knowledge, this variant has not been reported in the literature. This variant is reported in 0.011% of alleles in individuals of African descent in gnomAD. At this time, the clinical significance of this variant is uncertain due to the absence of conclusive functional and genetic evidence.

Genomic Medicine Center of Excellence, King Faisal Specialist Hospital and Research Centre
Classification: Uncertain significance for Autosomal recessive ataxia, Beauce type. Last evaluated: 2024-03-29. Review status: criteria provided, single submitter. Criteria: ACMG Guidelines, 2015. Collection method: clinical testing. Allele origin: germline.